The following is an entry in ClinVar:

NM_001048174.2(MUTYH):c.1009A>G (p.Lys337Glu)

Gene: MUTYH (mutY DNA glycosylase; minus strand). Cytogenetic location: 1p34.1.
Variant type: single nucleotide variant.
Coding change: c.1009A>G on transcript NM_001048174.2 (MANE Select); coding-DNA position 1009, A replaced by G.
Protein change: p.Lys337Glu; replaces lysine 337 with glutamic acid.
Molecular consequence: missense variant. On other transcripts: non-coding transcript variant (2).
Genome position (GRCh38, 1-based): chr1:45,331,754, T>C on the plus strand (A>G on the coding strand, the complement: MUTYH is on the minus strand). VCF-style: chr1-45331754-T-C. GRCh37 (hg19) VCF-style: chr1-45797426-T-C.
Other names: c.1093A>G (NM_001128425.1); c.1009A>G, p.Lys337Glu (NM_001048171.2, NM_001048173.2, NM_001293195.2); c.1012A>G, p.Lys338Glu (NM_001048172.2); c.1093A>G, p.Lys365Glu (NM_001128425.2); c.1054A>G, p.Lys352Glu (NM_001293190.2); c.1042A>G, p.Lys348Glu (NM_001293191.2); c.733A>G, p.Lys245Glu (NM_001293192.2, NM_001293196.2); c.664A>G, p.Lys222Glu (NM_001350650.2, NM_001350651.2); and 1 more; short protein forms K337E, K245E, K352E, K365E, K222E, K338E, K348E, K362E.
Identifiers: ClinVar variation 1351332 (VCV001351332.10), dbSNP rs2149127392, ClinGen allele CA340133596.
Genomic context (GRCh38, chr1:45,331,754, plus strand): 5'-CCCCAAGGGCCCCAGGCTGTTCCAGAACACAGGTGGCAGAGCTCTCCTCCCTGGGGGGCT[T>C]GCGGCTGGCCTTTCTGGGGAAGTTGACCACTCCCAGGGTCTGGTCCCAGGGCTCCGAGGG-3'
Protein context (NP_001041639.1, residues 327-347): VVNFPRKASR[Lys337Glu]PPREESSATC

ClinVar aggregate classification (germline): Conflicting classifications of pathogenicity. Review status: criteria provided, conflicting classifications (1 of 4 stars). 2 submissions from 2 submitters: Uncertain significance (1); Likely benign (1). Last evaluated 2025-08-19.

Conditions:
Hereditary cancer-predisposing syndrome. Also called: Neoplastic Syndromes, Hereditary; Tumor predisposition; Hereditary Cancer Syndrome; Hereditary neoplastic syndrome. Identifiers: Orphanet 140162, MedGen C0027672, MeSH D009386, MONDO:0015356.
Familial adenomatous polyposis 2. Also called: MYH-associated polyposis; FAP type 2; MUTYH-associated polyposis; MUTYH-related attenuated familial adenomatous polyposis; Adenomas, multiple colorectal; COLORECTAL ADENOMATOUS POLYPOSIS, AUTOSOMAL RECESSIVE. Identifiers: Orphanet 220460, Orphanet 247798, MedGen C3272841, MONDO:0012041, OMIM 608456.

gnomAD v4.1: 1 of 1,613,988 alleles (0.000062%); highest among the groups gnomAD compares: Non-Finnish European, 0.000085%; no homozygotes.

Submissions (2):

Ambry Genetics
Classification: Likely benign for Hereditary cancer-predisposing syndrome. Last evaluated: 2025-08-19. Review status: criteria provided, single submitter. Criteria: Ambry Variant Classification Scheme 2023. Collection method: clinical testing. Allele origin: germline.

Labcorp Genetics (formerly Invitae), Labcorp
Classification: Uncertain significance for Familial adenomatous polyposis 2. Last evaluated: 2023-08-24. Review status: criteria provided, single submitter. Criteria: Invitae Variant Classification Sherloc (09022015). Collection method: clinical testing. Allele origin: germline.
Comment: This sequence change replaces lysine, which is basic and polar, with glutamic acid, which is acidic and polar, at codon 365 of the MUTYH protein (p.Lys365Glu). This variant is not present in population databases (gnomAD no frequency). This variant has not been reported in the literature in individuals affected with MUTYH-related conditions. ClinVar contains an entry for this variant (Variation ID: 1351332). An algorithm developed to predict the effect of missense changes on protein structure and function (PolyPhen-2) suggests that this variant is likely to be disruptive. In summary, the available evidence is currently insufficient to determine the role of this variant in disease. Therefore, it has been classified as a Variant of Uncertain Significance.

Literature cited by the submitters: PubMed 40738107 (cited by Ambry Genetics).